The following is an entry in ClinVar:

ClinVar aggregate classification (germline): Conflicting classifications of pathogenicity. Review status: criteria provided, conflicting classifications (1 of 4 stars). 5 submissions from 5 submitters: Uncertain significance (1); Benign (1); Likely benign (2). 1 of the submissions does not count toward it. Last evaluated 2026-01-25.

Conditions:
Usher syndrome type 1 (USH1). Also called: RETINITIS PIGMENTOSA AND CONGENITAL DEAFNESS. Identifiers: Orphanet 231169, Orphanet 886, MedGen C1568247, MONDO:0010168, OMIM 276900.
Autosomal recessive nonsyndromic hearing loss 12. Also called: DEAFNESS, AUTOSOMAL RECESSIVE 12. Identifiers: Orphanet 90636, MedGen C1832394, MONDO:0011067, OMIM 601386.

Allele frequency attached by ClinVar (database versions not stated): gnomAD exomes 0.00010 and 0.00058; gnomAD 0.00018 and 0.00029; TOPMed 0.00020; ExAC 0.00064; 1000 Genomes Project 30x 0.00297; 1000 Genomes Project 0.00300.
gnomAD v4.1: 209 of 1,614,012 alleles (0.013%); highest among the groups gnomAD compares: East Asian, 0.38%; 1 homozygote.

Submissions (5):

Labcorp Genetics (formerly Invitae), Labcorp
Classification: Benign. Last evaluated: 2026-01-25. Review status: criteria provided, single submitter. Criteria: Invitae Variant Classification Sherloc (09022015). Collection method: clinical testing. Allele origin: germline.

Blueprint Genetics
Classification: Likely benign. Last evaluated: 2024-08-02. Review status: criteria provided, single submitter. Criteria: ACMG Guidelines, 2015. Collection method: clinical testing. Allele origin: germline.

GeneDx
Classification: Likely benign. Last evaluated: 2020-11-04. Review status: criteria provided, single submitter. Criteria: GeneDx Variant Classification Process June 2021. Collection method: clinical testing. Allele origin: germline. Affected: yes.
Comment: This variant is associated with the following publications: (PMID: 30828794, 25963016, 20844544)

Baylor Genetics
Classification: Uncertain significance for Autosomal recessive nonsyndromic hearing loss 12. Last evaluated: 2018-09-28. Review status: criteria provided, single submitter. Criteria: ACMG Guidelines, 2015. Collection method: clinical testing. Allele origin: maternal. Affected: yes.
Comment: This variant was determined to be of uncertain significance according to ACMG Guidelines, 2015 [PMID:25741868].

Natera, Inc.
Classification: Benign for Usher syndrome type 1. Last evaluated: 2020-09-16. Review status: no assertion criteria provided. Collection method: clinical testing. Allele origin: germline. Not counted in ClinVar's aggregate classification.

NM_022124.6(CDH23):c.68-3C>T

Gene: CDH23 (cadherin related 23; plus strand). Cytogenetic location: 10q22.1.
Variant type: single nucleotide variant.
Coding change: c.68-3C>T on transcript NM_022124.6 (MANE Select); 3 bases into the intron before coding-DNA position 68, C replaced by T.
Molecular consequence: intron variant.
Genome position (GRCh38, 1-based): chr10:71,446,315, C>T. VCF-style: chr10-71446315-C-T. GRCh37 (hg19) VCF-style: chr10-73206072-C-T.
Other names: c.68-3C>T (NM_001171930.2, NM_001171931.2, NM_052836.4 and 1 more transcripts).
Identifiers: ClinVar variation 763397 (VCV000763397.17), dbSNP rs142456469, ClinGen allele CA5543288.